The following is an entry in ClinVar:

NM_001377142.1(PLCB4):c.568G>A (p.Gly190Ser)

Gene: PLCB4 (phospholipase C beta 4; plus strand). Cytogenetic location: 20p12.2.
Variant type: single nucleotide variant.
Coding change: c.568G>A on transcript NM_001377142.1 (MANE Select); coding-DNA position 568, G replaced by A.
Protein change: p.Gly190Ser; replaces glycine 190 with serine.
Molecular consequence: missense variant.
Genome position (GRCh38, 1-based): chr20:9,371,278, G>A. VCF-style: chr20-9371278-G-A. GRCh37 (hg19) VCF-style: chr20-9351925-G-A.
Other names: c.568G>A, p.Gly190Ser (NM_000933.4, NM_001172646.2, NM_001377134.2 and 4 more transcripts); short protein forms G190S.
Identifiers: ClinVar variation 4986202 (VCV004986202.1).

ClinVar aggregate classification (germline): Uncertain significance (1 of 4 stars; one submission).

Conditions:
PLCB4-related disorder. Also called: PLCB4-related condition.

gnomAD v4.1: 20 of 1,600,662 alleles (0.0012%); highest among the groups gnomAD compares: Non-Finnish European, 0.0015%; no homozygotes.

Submission:

PreventionGenetics, part of Exact Sciences
Classification: Uncertain significance for PLCB4-related condition. Last evaluated: 2025-03-18. Review status: criteria provided, single submitter. Criteria: ACMG Guidelines, 2015. Collection method: clinical testing. Allele origin: germline.
Comment: The PLCB4 c.568G>A variant is predicted to result in the amino acid substitution p.Gly190Ser. To our knowledge, this variant has not been reported in the literature. This variant is reported in 0.0026% of alleles in individuals of European (Non-Finnish) descent in gnomAD. At this time, the clinical significance of this variant is uncertain due to the absence of conclusive functional and genetic evidence.